The following is an entry in ClinVar:

NM_005097.4(LGI1):c.866T>C (p.Ile289Thr)

Gene: LGI1 (leucine rich glioma inactivated 1; plus strand). Cytogenetic location: 10q23.33.
Variant type: single nucleotide variant.
Coding change: c.866T>C on transcript NM_005097.4 (MANE Select); coding-DNA position 866, T replaced by C.
Protein change: p.Ile289Thr; replaces isoleucine 289 with threonine.
Molecular consequence: missense variant. On other transcripts: non-coding transcript variant (1), intron variant (1).
Genome position (GRCh38, 1-based): chr10:93,796,995, T>C. VCF-style: chr10-93796995-T-C. GRCh37 (hg19) VCF-style: chr10-95556752-T-C.
Other names: c.722T>C, p.Ile241Thr (NM_001308276.2); c.839-754T>C (NM_001308275.2); short protein forms I241T, I289T.
Identifiers: ClinVar variation 3118514 (VCV003118514.3), dbSNP rs2059985853, ClinGen allele CA377626251.

ClinVar aggregate classification (germline): Uncertain significance. Review status: criteria provided, multiple submitters, no conflicts (2 of 4 stars). 2 submissions from 2 submitters: Uncertain significance (2). Last evaluated 2024-12-07.

Conditions:
Autosomal dominant epilepsy with auditory features. Identifiers: Orphanet 101046, MedGen C1838062, MONDO:0010898.
Inborn genetic diseases. Identifiers: MedGen C0950123, MeSH D030342.

Submissions (2):

Labcorp Genetics (formerly Invitae), Labcorp
Classification: Uncertain significance for Autosomal dominant epilepsy with auditory features. Last evaluated: 2024-12-07. Review status: criteria provided, single submitter. Criteria: Invitae Variant Classification Sherloc (09022015). Collection method: clinical testing. Allele origin: germline.
Comment: This sequence change replaces isoleucine, which is neutral and non-polar, with threonine, which is neutral and polar, at codon 289 of the LGI1 protein (p.Ile289Thr). This variant is not present in population databases (gnomAD no frequency). This variant has not been reported in the literature in individuals affected with LGI1-related conditions. ClinVar contains an entry for this variant (Variation ID: 3118514). Invitae Evidence Modeling of protein sequence and biophysical properties (such as structural, functional, and spatial information, amino acid conservation, physicochemical variation, residue mobility, and thermodynamic stability) indicates that this missense variant is not expected to disrupt LGI1 protein function with a negative predictive value of 80%. In summary, the available evidence is currently insufficient to determine the role of this variant in disease. Therefore, it has been classified as a Variant of Uncertain Significance.

Ambry Genetics
Classification: Uncertain significance for Inborn genetic diseases. Last evaluated: 2023-12-20. Review status: criteria provided, single submitter. Criteria: Ambry Variant Classification Scheme 2023. Collection method: clinical testing. Allele origin: germline.